The following is an entry in ClinVar:

NM_018327.4(SPTLC3):c.277G>A (p.Ala93Thr)

Gene: SPTLC3 (serine palmitoyltransferase long chain base subunit 3; plus strand). Cytogenetic location: 20p12.1.
Variant type: single nucleotide variant.
Coding change: c.277G>A on transcript NM_018327.4 (MANE Select); coding-DNA position 277, G replaced by A.
Protein change: p.Ala93Thr; replaces alanine 93 with threonine.
Molecular consequence: missense variant.
Genome position (GRCh38, 1-based): chr20:13,049,104, G>A. VCF-style: chr20-13049104-G-A. GRCh37 (hg19) VCF-style: chr20-13029752-G-A.
Other names: c.277G>A, p.Ala93Thr (NM_001349945.2); short protein forms A93T.
Identifiers: ClinVar variation 4883692 (VCV004883692.2).

ClinVar aggregate classification (germline): Uncertain significance (1 of 4 stars; one submission).

gnomAD v4.1: 39 of 1,613,526 alleles (0.0024%); highest among the groups gnomAD compares: Admixed American, 0.013%; no homozygotes.

Submission:

Dasa
Classification: Uncertain significance. Last evaluated: 2025-06-10. Review status: criteria provided, single submitter. Criteria: DASA Assertion Criteria. Collection method: clinical testing. Allele origin: germline.
Comment: NM_018327.4(SPTLC3):c.277G>A (p.Ala93Thr) is a missense variant that results in the substitution of alanine with threonine. This variant is rare in population databases. Computational prediction algorithms are consistent with a benign effect. The currently available literature and clinical evidence are not sufficient to establish a definitive association between this variant and the reported condition. Therefore, this variant is classified as a variant of uncertain significance.